The following is an entry in ClinVar:

NM_000153.4(GALC):c.1448_1449delinsGTGCTTTTGA (p.Ser483fs)

Gene: GALC (galactosylceramidase; minus strand). Cytogenetic location: 14q31.3.
Variant type: Indel.
Coding change: c.1448_1449delinsGTGCTTTTGA on transcript NM_000153.4 (MANE Select); coding-DNA positions 1448 to 1449, CC replaced by GTGCTTTTGA.
Protein change: p.Ser483fs; shifts the reading frame from serine 483.
Molecular consequence: frameshift variant. On other transcripts: non-coding transcript variant (1).
Genome position (GRCh38, 1-based): chr14:87,947,768-87,947,769, GG replaced by TCAAAAGCAC on the plus strand (CC replaced by GTGCTTTTGA on the coding strand, the reverse complement: GALC is on the minus strand). VCF-style: chr14-87947768-GG-TCAAAAGCAC. GRCh37 (hg19) VCF-style: chr14-88414112-GG-TCAAAAGCAC.
Other names: c.1379_1380delinsGTGCTTTTGA, p.Ser460fs (NM_001201401.2); c.1370_1371delinsGTGCTTTTGA, p.Ser457fs (NM_001201402.2); c.1280_1281delinsGTGCTTTTGA, p.Ser427fs (NM_001424071.1, NM_001424072.1, NM_001424073.1); c.1100_1101delinsGTGCTTTTGA, p.Ser367fs (NM_001424074.1, NM_001424075.1); c.815_816delinsGTGCTTTTGA, p.Ser272fs (NM_001424076.1, NM_001424077.1); short protein forms S272fs, S367fs, S427fs, S457fs, S460fs, S483fs.
Identifiers: ClinVar variation 5011281 (VCV005011281.1).

ClinVar aggregate classification (germline): Pathogenic (1 of 4 stars; one submission).

Conditions:
Galactosylceramide beta-galactosidase deficiency. Also called: GALACTOCEREBROSIDASE DEFICIENCY; GALC DEFICIENCY; GLOBOID CELL LEUKOENCEPHALOPATHY; Leukodystrophy, Globoid Cell; Krabbe Disease. Identifiers: Orphanet 487, MedGen C0023521, MONDO:0009499, OMIM 245200.

Submission:

Myriad Genetics, Inc.
Classification: Pathogenic for Galactosylceramide beta-galactosidase deficiency. Last evaluated: 2023-08-09. Review status: criteria provided, single submitter. Criteria: Myriad Autosomal Dominant, Autosomal Recessive and X-Linked Classification Criteria (2023). Collection method: clinical testing. Allele origin: unknown.
Comment: NM_000153.3(GALC):c.1448_1449del2ins10(S483Cfs*73) is expected to be pathogenic in the context of Krabbe disease. This variant is predicted to lead to an abnormal or absent protein product due to the creation of a premature termination codon in GALC, a gene where loss-of-function variants are known to be pathogenic. Please note: this variant was assessed in the context of healthy population screening.